The following is an entry in ClinVar:

ClinVar aggregate classification (germline): Uncertain significance (1 of 4 stars; one submission).

Allele frequency attached by ClinVar (database versions not stated): gnomAD exomes 0.00001; ExAC 0.00004; ESP Exome Variant Server 0.00008; gnomAD 0.00010; TOPMed 0.00013; 1000 Genomes Project 30x 0.00047; 1000 Genomes Project 0.00060.
gnomAD v4.1: 33 of 1,613,576 alleles (0.002%); highest among the groups gnomAD compares: African/African-American, 0.039%; no homozygotes.

Submission:

Labcorp Genetics (formerly Invitae), Labcorp
Classification: Uncertain significance. Last evaluated: 2022-10-13. Review status: criteria provided, single submitter. Criteria: Invitae Variant Classification Sherloc (09022015). Collection method: clinical testing. Allele origin: germline.
Comment: This sequence change replaces aspartic acid, which is acidic and polar, with asparagine, which is neutral and polar, at codon 116 of the ESCO2 protein (p.Asp116Asn). This variant is present in population databases (rs182074852, gnomAD 0.05%). This variant has not been reported in the literature in individuals affected with ESCO2-related conditions. Algorithms developed to predict the effect of missense changes on protein structure and function (SIFT, PolyPhen-2, Align-GVGD) all suggest that this variant is likely to be tolerated. In summary, the available evidence is currently insufficient to determine the role of this variant in disease. Therefore, it has been classified as a Variant of Uncertain Significance.

NM_001017420.3(ESCO2):c.346G>A (p.Asp116Asn)

Gene: ESCO2 (establishment of sister chromatid cohesion N-acetyltransferase 2; plus strand). Cytogenetic location: 8p21.1.
Variant type: single nucleotide variant.
Coding change: c.346G>A on transcript NM_001017420.3 (MANE Select); coding-DNA position 346, G replaced by A.
Protein change: p.Asp116Asn; replaces aspartic acid 116 with asparagine.
Molecular consequence: missense variant.
Genome position (GRCh38, 1-based): chr8:27,776,654, G>A. VCF-style: chr8-27776654-G-A. GRCh37 (hg19) VCF-style: chr8-27634171-G-A.
Other names: short protein forms D116N.
Identifiers: ClinVar variation 2069286 (VCV002069286.1), dbSNP rs182074852, ClinGen allele CA4692037.